The following is an entry in ClinVar:

ClinVar aggregate classification (germline): Uncertain significance (0 of 4 stars; one submission).

Conditions:
NBEA-related disorder. Also called: NBEA-related condition.

Submission:

PreventionGenetics, part of Exact Sciences
Classification: Uncertain significance for NBEA-related condition. Last evaluated: 2024-04-16. Review status: no assertion criteria provided. Collection method: clinical testing. Allele origin: germline.
Comment: The NBEA c.8611A>G variant is predicted to result in the amino acid substitution p.Ser2871Gly. To our knowledge, this variant has not been reported in the literature or in a large population database, indicating this variant is rare. At this time, the clinical significance of this variant is uncertain due to the absence of conclusive functional and genetic evidence.

NM_001385012.1(NBEA):c.8674A>G (p.Ser2892Gly)

Gene: NBEA (neurobeachin; plus strand). Cytogenetic location: 13q13.3.
Variant type: single nucleotide variant.
Coding change: c.8674A>G on transcript NM_001385012.1 (MANE Select); coding-DNA position 8674, A replaced by G.
Protein change: p.Ser2892Gly; replaces serine 2892 with glycine.
Molecular consequence: missense variant.
Genome position (GRCh38, 1-based): chr13:35,668,380, A>G. VCF-style: chr13-35668380-A-G. GRCh37 (hg19) VCF-style: chr13-36242517-A-G.
Other names: c.1990A>G, p.Ser664Gly (NM_001204197.3); c.8665A>G, p.Ser2889Gly (NM_001379245.1); c.8611A>G, p.Ser2871Gly (NM_015678.5); short protein forms S2871G, S2889G, S2892G, S664G.
Identifiers: ClinVar variation 3349573 (VCV003349573.1).